The following is an entry in ClinVar:

NM_001261826.3(AP3D1):c.1019C>G (p.Ser340Cys)

Gene: AP3D1 (adaptor related protein complex 3 subunit delta 1; minus strand). Cytogenetic location: 19p13.3.
Variant type: single nucleotide variant.
Coding change: c.1019C>G on transcript NM_001261826.3 (MANE Select); coding-DNA position 1019, C replaced by G.
Protein change: p.Ser340Cys; replaces serine 340 with cysteine.
Molecular consequence: missense variant.
Genome position (GRCh38, 1-based): chr19:2,121,816, G>C on the plus strand (C>G on the coding strand, the complement: AP3D1 is on the minus strand). VCF-style: chr19-2121816-G-C. GRCh37 (hg19) VCF-style: chr19-2121815-G-C.
Other names: c.1019C>G, p.Ser340Cys (NM_001374799.1, NM_003938.8); short protein forms S340C.
Identifiers: ClinVar variation 3674937 (VCV003674937.2).

ClinVar aggregate classification (germline): Uncertain significance (1 of 4 stars; one submission).

Submission:

Labcorp Genetics (formerly Invitae), Labcorp
Classification: Uncertain significance. Last evaluated: 2024-05-21. Review status: criteria provided, single submitter. Criteria: Invitae Variant Classification Sherloc (09022015). Collection method: clinical testing. Allele origin: germline.
Comment: This sequence change replaces serine, which is neutral and polar, with cysteine, which is neutral and slightly polar, at codon 340 of the AP3D1 protein (p.Ser340Cys). This variant is not present in population databases (gnomAD no frequency). This variant has not been reported in the literature in individuals affected with AP3D1-related conditions. An algorithm developed to predict the effect of missense changes on protein structure and function (PolyPhen-2) suggests that this variant is likely to be disruptive. In summary, the available evidence is currently insufficient to determine the role of this variant in disease. Therefore, it has been classified as a Variant of Uncertain Significance.